The following is an entry in ClinVar:

NM_000302.4(PLOD1):c.482C>G (p.Ala161Gly)

Gene: PLOD1 (procollagen-lysine,2-oxoglutarate 5-dioxygenase 1; plus strand). Cytogenetic location: 1p36.22.
Variant type: single nucleotide variant.
Coding change: c.482C>G on transcript NM_000302.4 (MANE Select); coding-DNA position 482, C replaced by G.
Protein change: p.Ala161Gly; replaces alanine 161 with glycine.
Molecular consequence: missense variant.
Genome position (GRCh38, 1-based): chr1:11,952,638, C>G. VCF-style: chr1-11952638-C-G. GRCh37 (hg19) VCF-style: chr1-12012695-C-G.
Other names: c.623C>G, p.Ala208Gly (NM_001316320.2); short protein forms A161G, A208G.
Identifiers: ClinVar variation 3231136 (VCV003231136.1), dbSNP rs2522814519, ClinGen allele CA338428226.

ClinVar aggregate classification (germline): Uncertain significance (1 of 4 stars; one submission).

Conditions:
Familial thoracic aortic aneurysm and aortic dissection (TAAD). Also called: Thoracic aortic aneurysms and dissections. Identifiers: Orphanet 91387, MedGen C4707243, MONDO:0019625.

Submission:

Ambry Genetics
Classification: Uncertain significance for Familial thoracic aortic aneurysm and aortic dissection. Last evaluated: 2023-03-13. Review status: criteria provided, single submitter. Criteria: Ambry Variant Classification Scheme 2023. Collection method: clinical testing. Allele origin: germline.
Comment: The p.A161G variant (also known as c.482C>G), located in coding exon 5 of the PLOD1 gene, results from a C to G substitution at nucleotide position 482. The alanine at codon 161 is replaced by glycine, an amino acid with similar properties. This amino acid position is conserved. In addition, this alteration is predicted to be tolerated by in silico analysis. Since supporting evidence is limited at this time, the clinical significance of this alteration remains unclear.